The following is an entry in ClinVar:

ClinVar aggregate classification (germline): Pathogenic (1 of 4 stars; one submission).

Conditions:
Tay-Sachs disease (TSD). Also called: HEXA DEFICIENCY; GM2 gangliosidosis, type 1; Hexosaminidase alpha-subunit deficiency (variant B); Sphingolipidosis, Tay-Sachs; Hexosaminidase A Deficiency; HEXA Disorders. Identifiers: Orphanet 845, MedGen C0039373, MONDO:0010100, OMIM 272800.

Submission:

Labcorp Genetics (formerly Invitae), Labcorp
Classification: Pathogenic for Tay-Sachs disease. Last evaluated: 2024-02-18. Review status: criteria provided, single submitter. Criteria: Invitae Variant Classification Sherloc (09022015). Collection method: clinical testing. Allele origin: germline.
Comment: This sequence change creates a premature translational stop signal (p.Cys58Leufs*13) in the HEXA gene. It is expected to result in an absent or disrupted protein product. Loss-of-function variants in HEXA are known to be pathogenic (PMID: 1833974, 8490625). This variant is not present in population databases (gnomAD no frequency). This variant has not been reported in the literature in individuals affected with HEXA-related conditions. For these reasons, this variant has been classified as Pathogenic.

Literature cited by the submitters: PubMed 1833974; PubMed 8490625.

NM_000520.6(HEXA):c.170dup (p.Cys58fs)

Gene: HEXA (hexosaminidase subunit alpha; minus strand). Cytogenetic location: 15q23.
Variant type: Duplication.
Coding change: c.170dup on transcript NM_000520.6 (MANE Select); coding-DNA position 170, one base duplicated (G; older notation c.170dupG).
Protein change: p.Cys58fs; shifts the reading frame from cysteine 58.
Molecular consequence: frameshift variant. On other transcripts: non-coding transcript variant (1).
Genome position (GRCh38, 1-based): chr15:72,375,803, C duplicated on the plus strand (G on the coding strand, the reverse complement: HEXA is on the minus strand); the first of 2 consecutive C bases (chr15:72,375,803-72,375,804); duplicating either gives the same sequence. VCF-style (leftmost placement, unchanged base first): chr15-72375802-G-GC. GRCh37 (hg19) VCF-style: chr15-72668143-G-GC.
Other names: c.170dup, p.Cys58fs (NM_001318825.2); short protein forms C58fs.
Identifiers: ClinVar variation 3641858 (VCV003641858.2).